The following is an entry in ClinVar:

NM_005751.5(AKAP9):c.6380A>G (p.Glu2127Gly)

Gene: AKAP9 (A-kinase anchoring protein 9; plus strand). Cytogenetic location: 7q21.2.
Variant type: single nucleotide variant.
Coding change: c.6380A>G on transcript NM_005751.5 (MANE Select); coding-DNA position 6380, A replaced by G.
Protein change: p.Glu2127Gly; replaces glutamic acid 2127 with glycine.
Molecular consequence: missense variant.
Genome position (GRCh38, 1-based): chr7:92,070,079, A>G. VCF-style: chr7-92070079-A-G. GRCh37 (hg19) VCF-style: chr7-91699393-A-G.
Other names: c.1025A>G, p.Glu342Gly (NM_001379277.1); c.6380A>G, p.Glu2127Gly (NM_147185.3); short protein forms E2127G, E342G.
Identifiers: ClinVar variation 3225080 (VCV003225080.2), dbSNP rs2535218377, ClinGen allele CA368134070.

ClinVar aggregate classification (germline): Uncertain significance. Review status: criteria provided, multiple submitters, no conflicts (2 of 4 stars). 2 submissions from 2 submitters: Uncertain significance (2). Last evaluated 2026-01-06.

Conditions:
Long QT syndrome (LQTS). Identifiers: MedGen C0023976, MeSH D008133, MONDO:0002442. Disease mechanism: loss of function. Inheritance: Various modes of inheritance.
Cardiovascular phenotype. Identifiers: MedGen CN230736.

Submissions (2):

Labcorp Genetics (formerly Invitae), Labcorp
Classification: Uncertain significance for Long QT syndrome. Last evaluated: 2026-01-06. Review status: criteria provided, single submitter. Criteria: Invitae Variant Classification Sherloc (09022015). Collection method: clinical testing. Allele origin: germline.
Comment: This sequence change replaces glutamic acid, which is acidic and polar, with glycine, which is neutral and non-polar, at codon 2127 of the AKAP9 protein (p.Glu2127Gly). This variant is not present in population databases (gnomAD no frequency). This variant has not been reported in the literature in individuals affected with AKAP9-related conditions. ClinVar contains an entry for this variant (Variation ID: 3225080). An algorithm developed to predict the effect of missense changes on protein structure and function (PolyPhen-2) suggests that this variant is likely to be disruptive. In summary, the available evidence is currently insufficient to determine the role of this variant in disease. Therefore, it has been classified as a Variant of Uncertain Significance.

Ambry Genetics
Classification: Uncertain significance for Cardiovascular phenotype. Last evaluated: 2023-11-03. Review status: criteria provided, single submitter. Criteria: Ambry Variant Classification Scheme 2023. Collection method: clinical testing. Allele origin: germline.
Comment: The p.E2127G variant (also known as c.6380A>G), located in coding exon 27 of the AKAP9 gene, results from an A to G substitution at nucleotide position 6380. The glutamic acid at codon 2127 is replaced by glycine, an amino acid with similar properties. This amino acid position is conserved. In addition, this alteration is predicted to be tolerated by in silico analysis. Since supporting evidence is limited at this time, the clinical significance of this alteration remains unclear.